The following is an entry in ClinVar:

NM_002693.3(POLG):c.2497G>A (p.Glu833Lys)

Gene: POLG (DNA polymerase gamma, catalytic subunit; minus strand). Cytogenetic location: 15q26.1.
Variant type: single nucleotide variant.
Coding change: c.2497G>A on transcript NM_002693.3 (MANE Select); coding-DNA position 2497, G replaced by A.
Protein change: p.Glu833Lys; replaces glutamic acid 833 with lysine.
Molecular consequence: missense variant.
Genome position (GRCh38, 1-based): chr15:89,321,837, C>T on the plus strand (G>A on the coding strand, the complement: POLG is on the minus strand). VCF-style: chr15-89321837-C-T. GRCh37 (hg19) VCF-style: chr15-89865068-C-T.
Other names: c.2497G>A, p.Glu833Lys (NM_001126131.2); short protein forms E833K.
Identifiers: ClinVar variation 4802413 (VCV004802413.1).

ClinVar aggregate classification (germline): Uncertain significance (1 of 4 stars; one submission).

Conditions:
Progressive sclerosing poliodystrophy (MTDPS4A). Also called: ALPERS PROGRESSIVE INFANTILE POLIODYSTROPHY; NEURONAL DEGENERATION OF CHILDHOOD WITH LIVER DISEASE, PROGRESSIVE; Mitochondrial DNA Depletion Syndrome 4A; Alpers Syndrome; ALPERS DIFFUSE DEGENERATION OF CEREBRAL GRAY MATTER WITH HEPATIC CIRRHOSIS; Alpers-Huttenlocher Syndrome. Identifiers: Orphanet 726, MedGen C0205710, MONDO:0008758, OMIM 203700.

gnomAD v4.1: 1 of 1,613,844 alleles (0.000062%); highest among the groups gnomAD compares: African/African-American, 0.0013%; no homozygotes.

Submission:

Labcorp Genetics (formerly Invitae), Labcorp
Classification: Uncertain significance for Progressive sclerosing poliodystrophy. Last evaluated: 2025-09-15. Review status: criteria provided, single submitter. Criteria: Invitae Variant Classification Sherloc (09022015). Collection method: clinical testing. Allele origin: germline.
Comment: This sequence change replaces glutamic acid, which is acidic and polar, with lysine, which is basic and polar, at codon 833 of the POLG protein (p.Glu833Lys). This variant is not present in population databases (gnomAD no frequency). This variant has not been reported in the literature in individuals affected with POLG-related conditions. Invitae Evidence Modeling of protein sequence and biophysical properties (such as structural, functional, and spatial information, amino acid conservation, physicochemical variation, residue mobility, and thermodynamic stability) has been performed for this missense variant. However, the output from this modeling did not meet the statistical confidence thresholds required to predict the impact of this variant on POLG protein function. In summary, the available evidence is currently insufficient to determine the role of this variant in disease. Therefore, it has been classified as a Variant of Uncertain Significance.